The following is an entry in ClinVar:

NC_000016.10:g.(89746891_89748658)_(89770635_89771677)del

Gene: FANCA (FA complementation group A; minus strand). Cytogenetic location: 16q24.3.
Variant type: Deletion.
Identifiers: ClinVar variation 974327 (VCV000974327.1).

ClinVar aggregate classification (germline): Uncertain significance (0 of 4 stars; one submission).

Conditions:
Fanconi anemia complementation group A (FANCA). Also called: Fanconi anemia, group A; FANCA-Related Fanconi Anemia. Identifiers: Orphanet 84, MedGen C3469521, MONDO:0009215, OMIM 227650.

Submission:

Leiden Open Variation Database
Classification: Uncertain significance for Fanconi anemia complementation group A. Last evaluated: 2020-02-28. Review status: no assertion criteria provided. Collection method: curation. Allele origin: germline. Affected: yes.
Comment: Curator: Arleen D. Auerbach. Submitter to LOVD: Arleen D. Auerbach.

Literature cited by the submitters: PubMed 16084127.